The following is an entry in ClinVar:

ClinVar aggregate classification (germline): Likely pathogenic (1 of 4 stars; one submission).

gnomAD v4.1: 1 of 1,591,538 alleles (0.000063%); highest among the groups gnomAD compares: Non-Finnish European, 0.000086%; no homozygotes.

Submission:

Labcorp Genetics (formerly Invitae), Labcorp
Classification: Likely pathogenic. Last evaluated: 2023-12-03. Review status: criteria provided, single submitter. Criteria: Invitae Variant Classification Sherloc (09022015). Collection method: clinical testing. Allele origin: germline.
Comment: This sequence change affects a donor splice site in intron 5 of the ALDH3A2 gene. It is expected to disrupt RNA splicing. Variants that disrupt the donor or acceptor splice site typically lead to a loss of protein function (PMID: 16199547), and loss-of-function variants in ALDH3A2 are known to be pathogenic (PMID: 10577908, 10854114). This variant is not present in population databases (gnomAD no frequency). This variant has not been reported in the literature in individuals affected with ALDH3A2-related conditions. Algorithms developed to predict the effect of sequence changes on RNA splicing suggest that this variant may disrupt the consensus splice site. In summary, the currently available evidence indicates that the variant is pathogenic, but additional data are needed to prove that conclusively. Therefore, this variant has been classified as Likely Pathogenic.

Literature cited by the submitters: PubMed 16199547; PubMed 10577908; PubMed 10854114.

NM_000382.3(ALDH3A2):c.798+1G>T

Gene: ALDH3A2 (aldehyde dehydrogenase 3 family member A2; plus strand). Cytogenetic location: 17p11.2.
Variant type: single nucleotide variant.
Coding change: c.798+1G>T on transcript NM_000382.3 (MANE Select); the canonical splice donor site of the intron after coding-DNA position 798, G replaced by T.
Molecular consequence: splice donor variant.
Genome position (GRCh38, 1-based): chr17:19,657,863, G>T. VCF-style: chr17-19657863-G-T. GRCh37 (hg19) VCF-style: chr17-19561176-G-T.
Other names: c.219+1G>T (NM_001369148.2); c.798+1G>T (NM_001369137.2, NM_001369138.2, NM_001369146.2 and 3 more transcripts).
Identifiers: ClinVar variation 2700624 (VCV002700624.3), dbSNP rs1057517278, ClinGen allele CA398707285.